The following is an entry in ClinVar:

NM_001080.3(ALDH5A1):c.296G>C (p.Arg99Pro)

Genes: ALDH5A1 (aldehyde dehydrogenase 5 family member A1; plus strand), LOC129995978 (ATAC-STARR-seq lymphoblastoid silent region 16989; plus strand). Cytogenetic location: 6p22.3.
Variant type: single nucleotide variant.
Coding change: c.296G>C on transcript NM_001080.3 (MANE Select); coding-DNA position 296, G replaced by C.
Protein change: p.Arg99Pro; replaces arginine 99 with proline.
Molecular consequence: missense variant.
Genome position (GRCh38, 1-based): chr6:24,495,292, G>C. VCF-style: chr6-24495292-G-C. GRCh37 (hg19) VCF-style: chr6-24495520-G-C.
Other names: c.296G>C, p.Arg99Pro (NM_001368954.1, NM_170740.1); short protein forms R99P.
Identifiers: ClinVar variation 1380576 (VCV001380576.3), dbSNP rs1161280166, ClinGen allele CA362968626.

ClinVar aggregate classification (germline): Uncertain significance (1 of 4 stars; one submission).

Conditions:
Succinate-semialdehyde dehydrogenase deficiency (SSADHD). Also called: SSADH DEFICIENCY; 4-HYDROXYBUTYRIC ACIDURIA; GABA METABOLIC DEFECT; Succinic Semialdehyde Dehydrogenase Deficiency. Identifiers: Orphanet 22, MedGen C0268631, MONDO:0010083, OMIM 271980.

Allele frequency attached by ClinVar (database versions not stated): TOPMed 0.00002; gnomAD 0.00003; gnomAD exomes 0.00008.
gnomAD v4.1: 109 of 1,532,972 alleles (0.0071%); highest among the groups gnomAD compares: Non-Finnish European, 0.0092%; no homozygotes.

Submission:

Labcorp Genetics (formerly Invitae), Labcorp
Classification: Uncertain significance for Succinate-semialdehyde dehydrogenase deficiency. Last evaluated: 2021-11-03. Review status: criteria provided, single submitter. Criteria: Invitae Variant Classification Sherloc (09022015). Collection method: clinical testing. Allele origin: germline.
Comment: This sequence change replaces arginine, which is basic and polar, with proline, which is neutral and non-polar, at codon 99 of the ALDH5A1 protein (p.Arg99Pro). This variant is present in population databases (no rsID available, gnomAD 0.002%). This variant has not been reported in the literature in individuals affected with ALDH5A1-related conditions. Advanced modeling of protein sequence and biophysical properties (such as structural, functional, and spatial information, amino acid conservation, physicochemical variation, residue mobility, and thermodynamic stability) performed at Invitae indicates that this missense variant is not expected to disrupt ALDH5A1 protein function. In summary, the available evidence is currently insufficient to determine the role of this variant in disease. Therefore, it has been classified as a Variant of Uncertain Significance.